The following is an entry in ClinVar:

ClinVar aggregate classification (germline): Uncertain significance (1 of 4 stars; one submission).

Conditions:
Hereditary breast ovarian cancer syndrome. Also called: Hereditary breast and ovarian cancer syndrome; Hereditary breast and ovarian cancer syndrome (HBOC); BRCA1- and BRCA2-Associated Hereditary Breast and Ovarian Cancer; Hereditary breast and ovarian cancer; Breast and ovarian cancer; Hereditary breast and/or ovarian cancer syndrome. Identifiers: Orphanet 145, MedGen C0677776, MeSH D061325, MONDO:0003582. Disease mechanism: loss of function.

Submission:

Labcorp Genetics (formerly Invitae), Labcorp
Classification: Uncertain significance for Hereditary breast ovarian cancer syndrome. Last evaluated: 2024-10-28. Review status: criteria provided, single submitter. Criteria: Invitae Variant Classification Sherloc (09022015). Collection method: clinical testing. Allele origin: germline.
Comment: This sequence change replaces glutamine, which is neutral and polar, with lysine, which is basic and polar, at codon 1467 of the BRCA1 protein (p.Gln1467Lys). This variant is not present in population databases (gnomAD no frequency). This variant has not been reported in the literature in individuals affected with BRCA1-related conditions. Invitae Evidence Modeling of protein sequence and biophysical properties (such as structural, functional, and spatial information, amino acid conservation, physicochemical variation, residue mobility, and thermodynamic stability) indicates that this missense variant is not expected to disrupt BRCA1 protein function with a negative predictive value of 95%. In summary, the available evidence is currently insufficient to determine the role of this variant in disease. Therefore, it has been classified as a Variant of Uncertain Significance.

NM_007294.4(BRCA1):c.4399C>A (p.Gln1467Lys)

Gene: BRCA1 (BRCA1 DNA repair associated; minus strand). Cytogenetic location: 17q21.31.
Variant type: single nucleotide variant.
Coding change: c.4399C>A on transcript NM_007294.4 (MANE Select); coding-DNA position 4399, C replaced by A.
Protein change: p.Gln1467Lys; replaces glutamine 1467 with lysine.
Molecular consequence: missense variant. On other transcripts: intron variant (3).
Genome position (GRCh38, 1-based): chr17:43,076,573, G>T on the plus strand (C>A on the coding strand, the complement: BRCA1 is on the minus strand). VCF-style: chr17-43076573-G-T. GRCh37 (hg19) VCF-style: chr17-41228590-G-T.
Other names: c.4276C>A, p.Gln1426Lys (NM_001407919.1, NM_001407937.1, NM_001407938.1 and 6 more transcripts); c.4135C>A, p.Gln1379Lys (NM_001407920.1, NM_001407921.1, NM_001407922.1 and 4 more transcripts); c.4132C>A, p.Gln1378Lys (NM_001407927.1, NM_001407928.1, NM_001407929.1 and 4 more transcripts); c.4129C>A, p.Gln1377Lys (NM_001407934.1, NM_001407935.1, NM_001407936.1); c.4273C>A, p.Gln1425Lys (NM_001407939.1, NM_001407940.1, NM_001407670.1 and 11 more transcripts); c.4270C>A, p.Gln1424Lys (NM_001407941.1, NM_001407681.1, NM_001407682.1 and 6 more transcripts); c.4258C>A, p.Gln1420Lys (NM_001407942.1, NM_001407727.1, NM_001407728.1 and 13 more transcripts); c.4186C>A, p.Gln1396Lys (NM_001407571.1, NM_001407894.1, NM_001407895.1 and 12 more transcripts); and 71 more; short protein forms Q1298K, Q1338K, Q1356K, Q1378K, Q1397K, Q1423K, Q1426K, Q1439K.
Identifiers: ClinVar variation 3634638 (VCV003634638.2).
Genomic context (GRCh38, chr17:43,076,573, plus strand): 5'-TACTGGTAGAACTATCTGCAGACACCTCAAACTTGTCAGCAGAAAGGCCTTCTGGATTCT[G>T]GCTTATAGGGTATTCACTACTTTTCTGTGAAGTTAATACTGCTTTAAATGGAATGAGAAA-3'
Protein context (NP_009225.1, residues 1457-1477): SQKSSEYPIS[Gln1467Lys]NPEGLSADKF